The following is an entry in ClinVar:

NM_004972.4(JAK2):c.610A>G (p.Ile204Val)

Genes: INSL6 (insulin like 6; minus strand), JAK2 (Janus kinase 2; plus strand). Cytogenetic location: 9p24.1.
Variant type: single nucleotide variant.
Coding change: c.610A>G on transcript NM_004972.4 (MANE Select); coding-DNA position 610, A replaced by G.
Protein change: p.Ile204Val; replaces isoleucine 204 with valine.
Molecular consequence: missense variant. On other transcripts: 5 prime UTR variant (2), non-coding transcript variant (2).
Genome position (GRCh38, 1-based): chr9:5,050,827, A>G. VCF-style: chr9-5050827-A-G. GRCh37 (hg19) VCF-style: chr9-5050827-A-G.
Other names: c.610A>G, p.Ile204Val (NM_001322194.2, NM_001322195.2, NM_001322196.2); c.-511A>G (NM_001322198.2, NM_001322199.2); c.163A>G, p.Ile55Val (NM_001322204.2); short protein forms I55V, I204V.
Identifiers: ClinVar variation 3112151 (VCV003112151.2), dbSNP rs375180351, ClinGen allele CA188409028.
Genomic context (GRCh38, chr9:5,050,827, plus strand): 5'-TTAGATATGATGAGAATAGCCAAAGAAAACGATCAAACCCCACTGGCCATCTATAACTCT[A>G]TCAGGTAATTTTCTTTTGCAAATCCTTACACATAAGTGTGAGTAGAGATTTTATATAATT-3'
Protein context (NP_004963.1, residues 194-214): DQTPLAIYNS[Ile204Val]SYKTFLPKCI

ClinVar aggregate classification (germline): Uncertain significance. Review status: criteria provided, multiple submitters, no conflicts (2 of 4 stars). 2 submissions from 2 submitters: Uncertain significance (2). Last evaluated 2025-12-19.

Conditions:
Inborn genetic diseases. Identifiers: MedGen C0950123, MeSH D030342.

Allele frequency attached by ClinVar (database versions not stated): gnomAD exomes below 0.00001; gnomAD 0.00001.
gnomAD v4.1: 3 of 1,612,758 alleles (0.00019%); highest among the groups gnomAD compares: Middle Eastern, 0.017%; no homozygotes.

Submissions (2):

Labcorp Genetics (formerly Invitae), Labcorp
Classification: Uncertain significance. Last evaluated: 2025-12-19. Review status: criteria provided, single submitter. Criteria: Invitae Variant Classification Sherloc (09022015). Collection method: clinical testing. Allele origin: germline.
Comment: This sequence change replaces isoleucine, which is neutral and non-polar, with valine, which is neutral and non-polar, at codon 204 of the JAK2 protein (p.Ile204Val). This variant is not present in population databases (gnomAD no frequency). This variant has not been reported in the literature in individuals affected with JAK2-related conditions. ClinVar contains an entry for this variant (Variation ID: 3112151). An algorithm developed to predict the effect of missense changes on protein structure and function outputs the following: PolyPhen-2: "Benign". The valine amino acid residue is found in multiple mammalian species, which suggests that this missense change does not adversely affect protein function. In summary, the available evidence is currently insufficient to determine the role of this variant in disease. Therefore, it has been classified as a Variant of Uncertain Significance.

Ambry Genetics
Classification: Uncertain significance for Inborn genetic diseases. Last evaluated: 2023-12-31. Review status: criteria provided, single submitter. Criteria: Ambry Variant Classification Scheme 2023. Collection method: clinical testing. Allele origin: germline.